The following is an entry in ClinVar:

NM_175634.3(RUNX1T1):c.187C>T (p.Gln63Ter)

Gene: RUNX1T1 (RUNX1 partner transcriptional co-repressor 1; minus strand). Cytogenetic location: 8q21.3.
Variant type: single nucleotide variant.
Coding change: c.187C>T on transcript NM_175634.3 (MANE Select); coding-DNA position 187, C replaced by T.
Protein change: p.Gln63Ter; replaces glutamine 63 with a stop codon.
Molecular consequence: nonsense.
Genome position (GRCh38, 1-based): chr8:92,017,265, G>A on the plus strand (C>T on the coding strand, the complement: RUNX1T1 is on the minus strand). VCF-style: chr8-92017265-G-A. GRCh37 (hg19) VCF-style: chr8-93029493-G-A.
Other names: c.106C>T, p.Gln36Ter (NM_001198625.2, NM_001198632.2, NM_004349.4); c.187C>T, p.Gln63Ter (NM_001198626.2, NM_001198627.2, NM_001198628.2 and 3 more transcripts); c.127C>T, p.Gln43Ter (NM_001198633.2); c.220C>T, p.Gln74Ter (NM_001198634.2); c.364C>T, p.Gln122Ter (NM_001198679.3); c.271C>T, p.Gln91Ter (NM_001395209.1); c.76C>T, p.Gln26Ter (NM_175635.3, NM_175636.2); short protein forms Q122*, Q26*, Q36*, Q43*, Q63*, Q74*, Q91*.
Identifiers: ClinVar variation 3337989 (VCV003337989.1).
Genomic context (GRCh38, chr8:92,017,265, plus strand): 5'-AAGCCTGAAATGACTACTTACACGTTGTCGGTGTAAATGAACTGGTTCTTGGAGCTCCTT[G>A]AGTAGTTGGGGGAGGTGGCATTGTTGGAGGAGTCAGCCTAGATTGCGTCTTCACATCCAC-3'

ClinVar aggregate classification (germline): Uncertain significance (1 of 4 stars; one submission).

Submission:

GeneDx
Classification: Uncertain significance. Last evaluated: 2024-04-10. Review status: criteria provided, single submitter. Criteria: GeneDx Variant Classification Process June 2021. Collection method: clinical testing. Allele origin: germline. Affected: yes.